The following is an entry in ClinVar:

NM_004738.5(VAPB):c.*4559A>G

Gene: VAPB (VAMP associated protein B and C; plus strand). Cytogenetic location: 20q13.32.
Variant type: single nucleotide variant.
Coding change: c.*4559A>G on transcript NM_004738.5 (MANE Select); 4559 bases downstream of the stop codon, A replaced by G.
Molecular consequence: 3 prime UTR variant. On other transcripts: non-coding transcript variant (1).
Genome position (GRCh38, 1-based): chr20:58,448,794, A>G. VCF-style: chr20-58448794-A-G. GRCh37 (hg19) VCF-style: chr20-57023850-A-G.
Other names: c.*4629A>G (NM_001195677.2).
Identifiers: ClinVar variation 338996 (VCV000338996.6), dbSNP rs73296848, ClinGen allele CA9924589.

ClinVar aggregate classification (germline): Benign. Review status: criteria provided, single submitter (1 of 4 stars). 2 submissions from 1 submitter: Benign (2). Last evaluated 2018-01-13.

Conditions:
Amyotrophic lateral sclerosis type 8 (ALS8). Identifiers: Orphanet 803, MedGen C1837728, MONDO:0012077, OMIM 608627.
Adult-onset proximal spinal muscular atrophy, autosomal dominant. Also called: FINKEL LATE-ADULT TYPE SMA; Spinal muscular atrophy, late-onset, finkel type. Identifiers: Orphanet 209335, MedGen C1854058, MONDO:0008453, OMIM 182980.

Allele frequency attached by ClinVar (database versions not stated): gnomAD exomes 0.00026 and 0.00041; ExAC 0.00028; gnomAD 0.00204 and 0.00228; TOPMed 0.00234; 1000 Genomes Project 0.00260; 1000 Genomes Project 30x 0.00328.
gnomAD v4.1: 387 of 454,140 alleles (0.085%); highest among the groups gnomAD compares: African/African-American, 0.71%; 1 homozygote.

Submissions (2):

Illumina Laboratory Services, Illumina
Classification: Benign for Adult-onset proximal spinal muscular atrophy, autosomal dominant. Last evaluated: 2018-01-13. Review status: criteria provided, single submitter. Criteria: ICSL Variant Classification Criteria 13 December 2019. Collection method: clinical testing. Allele origin: germline.
Comment: This variant was observed in the ICSL laboratory as part of a predisposition screen in an ostensibly healthy population. It had not been previously curated by ICSL or reported in the Human Gene Mutation Database (HGMD: prior to June 1st, 2018), and was therefore a candidate for classification through an automated scoring system. Utilizing variant allele frequency, disease prevalence and penetrance estimates, and inheritance mode, an automated score was calculated to assess if this variant is too frequent to cause the disease. Based on the score and internal cut-off values, a variant classified as benign is not then subjected to further curation. The score for this variant resulted in a classification of benign for this disease.

Illumina Laboratory Services, Illumina
Classification: Benign for Amyotrophic lateral sclerosis type 8. Last evaluated: 2018-01-13. Review status: criteria provided, single submitter. Criteria: ICSL Variant Classification Criteria 13 December 2019. Collection method: clinical testing. Allele origin: germline.
Comment: the same text as in the submission from Illumina Laboratory Services, Illumina above.